The following is an entry in ClinVar:

ClinVar aggregate classification (germline): Uncertain significance (1 of 4 stars; one submission).

Conditions:
Hereditary cancer-predisposing syndrome. Also called: Hereditary neoplastic syndrome; Neoplastic Syndromes, Hereditary; Tumor predisposition; Hereditary Cancer Syndrome. Identifiers: Orphanet 140162, MedGen C0027672, MeSH D009386, MONDO:0015356.

Submission:

Ambry Genetics
Classification: Uncertain significance for Hereditary cancer-predisposing syndrome. Last evaluated: 2025-06-25. Review status: criteria provided, single submitter. Criteria: Ambry Variant Classification Scheme 2023. Collection method: clinical testing. Allele origin: germline.
Comment: The p.D710N variant (also known as c.2128G>A), located in coding exon 14 of the PTCH1 gene, results from a G to A substitution at nucleotide position 2128. The aspartic acid at codon 710 is replaced by asparagine, an amino acid with highly similar properties. This amino acid position is highly conserved in available vertebrate species. In addition, the in silico prediction for this alteration is inconclusive. Based on the available evidence, the clinical significance of this variant remains unclear.

NM_000264.5(PTCH1):c.2128G>A (p.Asp710Asn)

Genes: PTCH1 (patched 1; minus strand), LOC100507346 (uncharacterized LOC100507346; plus strand). Cytogenetic location: 9q22.32.
Variant type: single nucleotide variant.
Coding change: c.2128G>A on transcript NM_000264.5 (MANE Select); coding-DNA position 2128, G replaced by A.
Protein change: p.Asp710Asn; replaces aspartic acid 710 with asparagine.
Molecular consequence: missense variant. On other transcripts: non-coding transcript variant (2).
Genome position (GRCh38, 1-based): chr9:95,468,873, C>T on the plus strand (G>A on the coding strand, the complement: PTCH1 is on the minus strand). VCF-style: chr9-95468873-C-T. GRCh37 (hg19) VCF-style: chr9-98231155-C-T.
Other names: c.1930G>A, p.Asp644Asn (NM_001083602.3); c.2125G>A, p.Asp709Asn (NM_001083603.3); c.1675G>A, p.Asp559Asn (NM_001083604.3, NM_001083605.3, NM_001083606.3 and 1 more transcripts); c.1972G>A, p.Asp658Asn (NM_001354918.2); short protein forms D559N, D644N, D709N, D710N, D658N.
Identifiers: ClinVar variation 4146839 (VCV004146839.1).